The following is an entry in ClinVar:

NM_138694.4(PKHD1):c.11456del (p.Val3818_Leu3819insTer)

Gene: PKHD1 (PKHD1 ciliary IPT domain containing fibrocystin/polyductin; minus strand). Cytogenetic location: 6p12.3.
Variant type: Deletion.
Coding change: c.11456del on transcript NM_138694.4 (MANE Select); coding-DNA position 11456, one base deleted (T; older notation c.11456delT).
Protein change: p.Val3818_Leu3819insTer.
Molecular consequence: nonsense.
Genome position (GRCh38, 1-based): chr6:51,638,899, A deleted on the plus strand (T on the coding strand, the reverse complement: PKHD1 is on the minus strand); the first of 2 consecutive A bases (chr6:51,638,899-51,638,900); deleting either gives the same sequence. VCF-style (leftmost placement, unchanged base first): chr6-51638898-CA-C. GRCh37 (hg19) VCF-style: chr6-51503696-CA-C.
Identifiers: ClinVar variation 2677785 (VCV002677785.5), dbSNP rs1208095603, ClinGen allele CA825703751.

ClinVar aggregate classification (germline): Pathogenic/Likely pathogenic. Review status: criteria provided, multiple submitters, no conflicts (2 of 4 stars). 2 submissions from 2 submitters: Pathogenic (1); Likely pathogenic (1). Last evaluated 2024-02-20.

Conditions:
Polycystic kidney disease 4 (PKD4). Also called: POLYCYSTIC KIDNEY AND HEPATIC DISEASE 1; POLYCYSTIC KIDNEY DISEASE, INFANTILE, TYPE I; PKD3; POLYCYSTIC KIDNEY DISEASE 4 WITH OR WITHOUT POLYCYSTIC LIVER DISEASE; Autosomal Recessive Polycystic Kidney Disease – PKHD1. Identifiers: MedGen C4540575, MONDO:0033004, OMIM 263200.
Autosomal recessive polycystic kidney disease (ARPKD). Also called: AR polycystic kidney disease. Identifiers: Orphanet 731, Orphanet 8378, MedGen C0085548, MeSH D017044, MONDO:0009889.

Submissions (2):

Baylor Genetics
Classification: Likely pathogenic for Polycystic kidney disease 4. Last evaluated: 2024-02-20. Review status: criteria provided, single submitter. Criteria: ACMG Guidelines, 2015. Collection method: clinical testing. Allele origin: unknown.

Labcorp Genetics (formerly Invitae), Labcorp
Classification: Pathogenic for Autosomal recessive polycystic kidney disease. Last evaluated: 2022-12-31. Review status: criteria provided, single submitter. Criteria: Invitae Variant Classification Sherloc (09022015). Collection method: clinical testing. Allele origin: germline.
Comment: For these reasons, this variant has been classified as Pathogenic. This variant has not been reported in the literature in individuals affected with PKHD1-related conditions. This variant is not present in population databases (gnomAD no frequency). This sequence change creates a premature translational stop signal (p.Leu3819*) in the PKHD1 gene. It is expected to result in an absent or disrupted protein product. Loss-of-function variants in PKHD1 are known to be pathogenic (PMID: 19940839).

Literature cited by the submitters: PubMed 19940839 (cited by Labcorp Genetics (formerly Invitae), Labcorp).